The following is an entry in ClinVar:

NM_000439.5(PCSK1):c.844C>T (p.Arg282Trp)

Genes: CAST (calpastatin; plus strand), PCSK1 (proprotein convertase subtilisin/kexin type 1; minus strand), LOC101929710 (uncharacterized LOC101929710; plus strand). Cytogenetic location: 5q15.
Variant type: single nucleotide variant.
Coding change: c.844C>T on transcript NM_000439.5 (MANE Select); coding-DNA position 844, C replaced by T.
Protein change: p.Arg282Trp; replaces arginine 282 with tryptophan.
Molecular consequence: missense variant. On other transcripts: intron variant (11).
Genome position (GRCh38, 1-based): chr5:96,412,356, G>A on the plus strand (C>T on the coding strand, the complement: PCSK1 is on the minus strand). VCF-style: chr5-96412356-G-A. GRCh37 (hg19) VCF-style: chr5-95748060-G-A.
Other names: c.703C>T, p.Arg235Trp (NM_001177875.2); c.-175+32704G>A (NM_001423254.1, NM_001423259.1, NM_001423255.1 and 6 more transcripts); c.-103+32704G>A (NM_001423253.1); c.-40+32704G>A (NM_001423258.1); short protein forms R235W, R282W.
Identifiers: ClinVar variation 3060983 (VCV003060983.3), dbSNP rs773564429, ClinGen allele CA3350367.
Genomic context (GRCh38, chr5:96,412,356, plus strand): 5'-GGGTCTGTGTAAAGCATCTTACCTGTTTGACACCATATTCAAAAGCCTTCTGGGCTAGCC[G>A]GCCAGGCCCCTCCACAGTTTTCCCATCATCATTAGGGCCCCAGCTTGCACTGTAAATATC-3'
Protein context (NP_000430.3, residues 272-292): DDGKTVEGPG[Arg282Trp]LAQKAFEYGV

ClinVar aggregate classification (germline): Uncertain significance. Review status: criteria provided, multiple submitters, no conflicts (2 of 4 stars). 2 submissions from 2 submitters: Uncertain significance (2). Last evaluated 2026-06-09.

Conditions:
Inborn genetic diseases. Identifiers: MedGen C0950123, MeSH D030342.
PCSK1-related disorder. Also called: PCSK1-related condition.

Allele frequency attached by ClinVar (database versions not stated): TOPMed 0.00002; gnomAD 0.00002; ExAC 0.00005.
gnomAD v4.1: 29 of 1,613,960 alleles (0.0018%); highest among the groups gnomAD compares: Non-Finnish European, 0.0019%; no homozygotes.

Submissions (2):

PreventionGenetics, part of Exact Sciences
Classification: Uncertain significance for PCSK1-related condition. Last evaluated: 2026-06-09. Review status: criteria provided, single submitter. Criteria: ACMG Guidelines, 2015. Collection method: clinical testing. Allele origin: germline.
Comment: The PCSK1 c.844C>T variant is predicted to result in the amino acid substitution p.Arg282Trp. This variant was observed in a cohort of individuals with obesity, and in vitro functional studies showed this variant did not reduce protein function and could cause increased function (Supplemental Data Set 3, Shah et al. 2023. PubMed ID: 36864747). This variant is reported in 0.0054% of alleles in individuals of European (Non-Finnish) descent in gnomAD. At this time, the clinical significance of this variant is uncertain due to the absence of conclusive functional and genetic evidence.

Ambry Genetics
Classification: Uncertain significance for Inborn genetic diseases. Last evaluated: 2025-11-05. Review status: criteria provided, single submitter. Criteria: Ambry Variant Classification Scheme 2023. Collection method: clinical testing. Allele origin: germline.